The following is an entry in ClinVar:

NM_024408.4(NOTCH2):c.1521G>T (p.Gly507=)

Gene: NOTCH2 (notch receptor 2; minus strand). Cytogenetic location: 1p12.
Variant type: single nucleotide variant.
Coding change: c.1521G>T on transcript NM_024408.4 (MANE Select); coding-DNA position 1521, G replaced by T.
Protein change: p.Gly507=; no amino-acid change (glycine 507 retained).
Molecular consequence: synonymous variant.
Genome position (GRCh38, 1-based): chr1:119,966,422, C>A on the plus strand (G>T on the coding strand, the complement: NOTCH2 is on the minus strand). VCF-style: chr1-119966422-C-A. GRCh37 (hg19) VCF-style: chr1-120509045-C-A.
Other names: c.1521G>T (NM_024408.3); c.1521G>T, p.Gly507= (NM_001200001.2).
Identifiers: ClinVar variation 2730231 (VCV002730231.5), dbSNP rs2526300115, ClinGen allele CA420037287.

ClinVar aggregate classification (germline): Conflicting classifications of pathogenicity. Review status: criteria provided, conflicting classifications (1 of 4 stars). 3 submissions from 3 submitters: Uncertain significance (1); Likely benign (1). 1 of the submissions does not count toward it. Last evaluated 2024-06-03.

Conditions:
Hajdu-Cheney syndrome (HJCYS). Also called: ACROOSTEOLYSIS WITH OSTEOPOROSIS AND CHANGES IN SKULL AND MANDIBLE; SERPENTINE FIBULA-POLYCYSTIC KIDNEY SYNDROME; Acroosteolysis dominant type. Identifiers: Orphanet 955, MedGen C0917715, MONDO:0007057, OMIM 102500.
Alagille syndrome due to a NOTCH2 point mutation. Also called: Alagille syndrome 2. Identifiers: Orphanet 261629, Orphanet 52, MedGen C1857761, MONDO:0012439, OMIM 610205.
NOTCH2-related disorder. Also called: NOTCH2-related condition.

Submissions (3):

Fulgent Genetics
Classification: Uncertain significance for Hajdu-Cheney syndrome; Alagille syndrome due to a NOTCH2 point mutation. Last evaluated: 2024-06-03. Review status: criteria provided, single submitter. Criteria: ACMG Guidelines, 2015. Collection method: clinical testing. Allele origin: germline.

Labcorp Genetics (formerly Invitae), Labcorp
Classification: Likely benign for Hajdu-Cheney syndrome. Last evaluated: 2023-07-18. Review status: criteria provided, single submitter. Criteria: Invitae Variant Classification Sherloc (09022015). Collection method: clinical testing. Allele origin: germline.

PreventionGenetics, part of Exact Sciences
Classification: Likely benign for NOTCH2-related condition. Last evaluated: 2024-09-12. Review status: no assertion criteria provided. Collection method: clinical testing. Allele origin: germline. Not counted in ClinVar's aggregate classification.
Comment: This variant is classified as likely benign based on ACMG/AMP sequence variant interpretation guidelines (Richards et al. 2015 PMID: 25741868, with internal and published modifications).